The following is an entry in ClinVar:

ClinVar aggregate classification (germline): Uncertain significance (1 of 4 stars; one submission).

Conditions:
Developmental and epileptic encephalopathy 92. Also called: EPILEPTIC ENCEPHALOPATHY, INFANTILE OR EARLY CHILDHOOD, 2. Identifiers: MedGen C4693362, MONDO:0020631, OMIM 617829.

Submission:

Institute of Human Genetics, University of Leipzig Medical Center
Classification: Uncertain significance for Developmental and epileptic encephalopathy 92. Last evaluated: 2016-05-13. Review status: criteria provided, single submitter. Criteria: ACMG Guidelines, 2015. Collection method: clinical testing. Allele origin: de novo. Affected: yes. Observed: 1 variant allele.
Comment: This variant was identified as de novo (maternity and paternity confirmed).

NM_001371727.1(GABRB2):c.547T>C (p.Tyr183His)

Gene: GABRB2 (gamma-aminobutyric acid type A receptor subunit beta2; minus strand). Cytogenetic location: 5q34.
Variant type: single nucleotide variant.
Coding change: c.547T>C on transcript NM_001371727.1 (MANE Select); coding-DNA position 547, T replaced by C.
Protein change: p.Tyr183His; replaces tyrosine 183 with histidine.
Molecular consequence: missense variant.
Genome position (GRCh38, 1-based): chr5:161,336,764, A>G on the plus strand (T>C on the coding strand, the complement: GABRB2 is on the minus strand). VCF-style: chr5-161336764-A-G. GRCh37 (hg19) VCF-style: chr5-160763771-A-G.
Other names: c.547T>C, p.Tyr183His (NM_000813.3, NM_021911.3); short protein forms Y183H.
Identifiers: ClinVar variation 976113 (VCV000976113.1), dbSNP rs1754005209, ClinGen allele CA362172334.
Genomic context (GRCh38, chr5:161,336,764, plus strand): 5'-TTACTCCTGTTACTGCATTATCATCGCCACGCCAGTAAAACTCAATGTCATCAGTTGTGT[A>G]TCCATCTGTGAAAGGAAACATACACACACACACACACAAATACAGAAAACAAAAAAAAAA-3'
Protein context (NP_001358656.1, residues 173-193): NCTLEIESYG[Tyr183His]TTDDIEFYWR